The following is an entry in ClinVar:

ClinVar aggregate classification (germline): Conflicting classifications of pathogenicity. Review status: criteria provided, conflicting classifications (1 of 4 stars). 3 submissions from 3 submitters: Uncertain significance (1); Benign (1). 1 of the submissions does not count toward it. Last evaluated 2025-07-18.

Conditions:
IGF1R-related disorder. Also called: IGF1R-related condition.

Allele frequency attached by ClinVar (database versions not stated): gnomAD exomes 0.00008 and 0.00021; ExAC 0.00026; 1000 Genomes Project 30x 0.00078; 1000 Genomes Project 0.00080; gnomAD 0.00082 and 0.00086; ESP Exome Variant Server 0.00092; TOPMed 0.00097.
gnomAD v4.1: 240 of 1,614,150 alleles (0.015%); highest among the groups gnomAD compares: African/African-American, 0.3%; 1 homozygote.

Submissions (3):

Labcorp Genetics (formerly Invitae), Labcorp
Classification: Benign. Last evaluated: 2025-07-18. Review status: criteria provided, single submitter. Criteria: Invitae Variant Classification Sherloc (09022015). Collection method: clinical testing. Allele origin: germline.

Eurofins Ntd Llc (ga)
Classification: Uncertain significance. Last evaluated: 2015-09-02. Review status: criteria provided, single submitter. Criteria: EGL Classification Definitions 2015. Collection method: clinical testing. Allele origin: germline. Observed: 1 variant allele, 1 heterozygote.

PreventionGenetics, part of Exact Sciences
Classification: Likely benign for IGF1R-related condition. Last evaluated: 2023-12-27. Review status: no assertion criteria provided. Collection method: clinical testing. Allele origin: germline. Not counted in ClinVar's aggregate classification.
Comment: This variant is classified as likely benign based on ACMG/AMP sequence variant interpretation guidelines (Richards et al. 2015 PMID: 25741868, with internal and published modifications).

NM_000875.5(IGF1R):c.1956T>G (p.Pro652=)

Gene: IGF1R (insulin like growth factor 1 receptor; plus strand). Cytogenetic location: 15q26.3.
Variant type: single nucleotide variant.
Coding change: c.1956T>G on transcript NM_000875.5 (MANE Select); coding-DNA position 1956, T replaced by G.
Protein change: p.Pro652=; no amino-acid change (proline 652 retained).
Molecular consequence: synonymous variant.
Genome position (GRCh38, 1-based): chr15:98,916,091, T>G. VCF-style: chr15-98916091-T-G. GRCh37 (hg19) VCF-style: chr15-99459320-T-G.
Other names: c.1956T>G, p.Pro652= (NM_001291858.2).
Identifiers: ClinVar variation 282974 (VCV000282974.16), dbSNP rs45598332, ClinGen allele CA7752248.
Genomic context (GRCh38, chr15:98,916,091, plus strand): 5'-CCCTCCCTCTCTGCCCAACGGCAACCTGAGTTACTACATTGTGCGCTGGCAGCGGCAGCC[T>G]CAGGACGGCTACCTTTACCGGCACAATTACTGCTCCAAAGGTAAGGGTGCAGCAGCGGCC-3'
Protein context (NP_000866.1, residues 642-662): SYYIVRWQRQ[Pro652=]QDGYLYRHNY